The following is an entry in ClinVar:

ClinVar aggregate classification (germline): Likely benign (1 of 4 stars; one submission).

Conditions:
VPS33B-related disorder. Also called: VPS33B-related condition.

gnomAD v4.1: 1 of 1,614,184 alleles (0.000062%); highest among the groups gnomAD compares: Non-Finnish European, 0.000085%; no homozygotes.

Submission:

PreventionGenetics, part of Exact Sciences
Classification: Likely benign for VPS33B-related condition. Last evaluated: 2026-09-08. Review status: criteria provided, single submitter. Criteria: ACMG Guidelines, 2015. Collection method: clinical testing. Allele origin: germline.
Comment: This variant is classified as likely benign based on ACMG/AMP sequence variant interpretation guidelines (Richards et al. 2015 PMID: 25741868, with internal and published modifications).

NM_018668.5(VPS33B):c.762C>T (p.Thr254=)

Gene: VPS33B (VPS33B late endosome and lysosome associated; minus strand). Cytogenetic location: 15q26.1.
Variant type: single nucleotide variant.
Coding change: c.762C>T on transcript NM_018668.5 (MANE Select); coding-DNA position 762, C replaced by T.
Protein change: p.Thr254=; no amino-acid change (threonine 254 retained).
Molecular consequence: synonymous variant.
Genome position (GRCh38, 1-based): chr15:91,006,668, G>A on the plus strand (C>T on the coding strand, the complement: VPS33B is on the minus strand). VCF-style: chr15-91006668-G-A. GRCh37 (hg19) VCF-style: chr15-91549898-G-A.
Other names: c.681C>T, p.Thr227= (NM_001289148.1); c.489C>T, p.Thr163= (NM_001289149.1).
Identifiers: ClinVar variation 4996534 (VCV004996534.1).